The following is an entry in ClinVar:

ClinVar aggregate classification (germline): Benign/Likely benign. Review status: criteria provided, multiple submitters, no conflicts (2 of 4 stars). 3 submissions from 3 submitters: Benign (1); Likely benign (2). Last evaluated 2025-10-08.

Conditions:
Familial cancer of breast. Also called: BREAST CANCER, FAMILIAL; hereditary breast carcinoma; Hereditary breast cancer. Identifiers: Orphanet 227535, MedGen C0346153, MONDO:0016419, OMIM 114480. Disease mechanism: loss of function.
Ataxia-telangiectasia syndrome (AT). Also called: AT, COMPLEMENTATION GROUP C; ATAXIA-TELANGIECTASIA, COMPLEMENTATION GROUP A; ATAXIA-TELANGIECTASIA, FRESNO VARIANT; LOUIS-BAR SYNDROME; Ataxia-telangiectasia; Cerebello-oculocutaneous telangiectasia. Identifiers: Orphanet 100, MedGen C0004135, MONDO:0008840, OMIM 208900.

Allele frequency attached by ClinVar (database versions not stated): gnomAD exomes below 0.00001; ExAC 0.00001.
gnomAD v4.1: 1 of 1,605,320 alleles (0.000062%); highest among the groups gnomAD compares: Admixed American, 0.0017%; no homozygotes.

Submissions (3):

Labcorp Genetics (formerly Invitae), Labcorp
Classification: Likely benign for Ataxia-telangiectasia syndrome. Last evaluated: 2025-10-08. Review status: criteria provided, single submitter. Criteria: Invitae Variant Classification Sherloc (09022015). Collection method: clinical testing. Allele origin: germline.

Myriad Genetics, Inc.
Classification: Benign for Familial cancer of breast. Last evaluated: 2024-04-26. Review status: criteria provided, single submitter. Criteria: Myriad Autosomal Dominant, Autosomal Recessive and X-Linked Classification Criteria (2023). Collection method: clinical testing. Allele origin: unknown.
Comment: This variant is considered benign. This variant is a silent/synonymous amino acid change and it is not expected to impact splicing.

GeneDx
Classification: Likely benign. Last evaluated: 2016-03-09. Review status: criteria provided, single submitter. Criteria: GeneDx Variant Classification (06012015). Collection method: clinical testing. Allele origin: germline. Affected: yes.
Comment: This variant is considered likely benign or benign based on one or more of the following criteria: it is a conservative change, it occurs at a poorly conserved position in the protein, it is predicted to be benign by multiple in silico algorithms, and/or has population frequency not consistent with disease.

NM_000051.4(ATM):c.1257A>G (p.Leu419=)

Gene: ATM (ATM serine/threonine kinase; plus strand). Cytogenetic location: 11q22.3.
Variant type: single nucleotide variant.
Coding change: c.1257A>G on transcript NM_000051.4 (MANE Select); coding-DNA position 1257, A replaced by G.
Protein change: p.Leu419=; no amino-acid change (leucine 419 retained).
Molecular consequence: synonymous variant.
Genome position (GRCh38, 1-based): chr11:108,250,722, A>G. VCF-style: chr11-108250722-A-G. GRCh37 (hg19) VCF-style: chr11-108121449-A-G.
Other names: c.1257A>G, p.Leu419= (NM_001351834.2).
Identifiers: ClinVar variation 384739 (VCV000384739.8), dbSNP rs779037197, ClinGen allele CA6264793.